The following is an entry in ClinVar:

ClinVar aggregate classification (germline): Likely benign. Review status: criteria provided, multiple submitters, no conflicts (2 of 4 stars). 3 submissions from 3 submitters: Likely benign (3). Last evaluated 2025-05-26.

Allele frequency attached by ClinVar (database versions not stated): ESP Exome Variant Server 0.00008; 1000 Genomes Project 30x 0.00016; TOPMed 0.00016; gnomAD 0.00018 and 0.00019; gnomAD exomes 0.00018 and 0.00030; ExAC 0.00020.
gnomAD v4.1: 469 of 1,614,168 alleles (0.029%); highest among the groups gnomAD compares: Non-Finnish European, 0.038%; no homozygotes.

Submissions (3):

Labcorp Genetics (formerly Invitae), Labcorp
Classification: Likely benign. Last evaluated: 2025-05-26. Review status: criteria provided, single submitter. Criteria: Invitae Variant Classification Sherloc (09022015). Collection method: clinical testing. Allele origin: germline.

Blueprint Genetics
Classification: Likely benign. Last evaluated: 2024-02-26. Review status: criteria provided, single submitter. Criteria: ACMG Guidelines, 2015. Collection method: clinical testing. Allele origin: germline.

CeGaT Center for Human Genetics Tuebingen
Classification: Likely benign. Last evaluated: 2022-11-01. Review status: criteria provided, single submitter. Criteria: CeGaT Center For Human Genetics Tuebingen Variant Classification Criteria Version 2. Collection method: clinical testing. Allele origin: germline. Affected: yes. Observed: 1 variant allele.
Comment: NIN: BP4, BP7

NM_020921.4(NIN):c.402G>A (p.Arg134=)

Gene: NIN (ninein; minus strand). Cytogenetic location: 14q22.1.
Variant type: single nucleotide variant.
Coding change: c.402G>A on transcript NM_020921.4 (MANE Select); coding-DNA position 402, G replaced by A.
Protein change: p.Arg134=; no amino-acid change (arginine 134 retained).
Molecular consequence: synonymous variant.
Genome position (GRCh38, 1-based): chr14:50,792,745, C>T on the plus strand (G>A on the coding strand, the complement: NIN is on the minus strand). VCF-style: chr14-50792745-C-T. GRCh37 (hg19) VCF-style: chr14-51259463-C-T.
Other names: c.402G>A, p.Arg134= (NM_016350.5, NM_182944.3, NM_182946.2).
Identifiers: ClinVar variation 721085 (VCV000721085.32), dbSNP rs146441468, ClinGen allele CA7182504.